The following is an entry in ClinVar:

ClinVar aggregate classification (germline): Uncertain significance (1 of 4 stars; one submission).

Allele frequency attached by ClinVar (database versions not stated): gnomAD 0.00001; TOPMed 0.00002.
gnomAD v4.1: 2 of 1,611,422 alleles (0.00012%); highest among the groups gnomAD compares: African/African-American, 0.0027%; no homozygotes.

Submission:

Labcorp Genetics (formerly Invitae), Labcorp
Classification: Uncertain significance. Last evaluated: 2023-02-08. Review status: criteria provided, single submitter. Criteria: Invitae Variant Classification Sherloc (09022015). Collection method: clinical testing. Allele origin: germline.
Comment: This sequence change replaces histidine, which is basic and polar, with tyrosine, which is neutral and polar, at codon 50 of the ELMOD3 protein (p.His50Tyr). This variant is not present in population databases (gnomAD no frequency). This variant has not been reported in the literature in individuals affected with ELMOD3-related conditions. Advanced modeling of protein sequence and biophysical properties (such as structural, functional, and spatial information, amino acid conservation, physicochemical variation, residue mobility, and thermodynamic stability) performed at Invitae indicates that this missense variant is not expected to disrupt ELMOD3 protein function. In summary, the available evidence is currently insufficient to determine the role of this variant in disease. Therefore, it has been classified as a Variant of Uncertain Significance.

NM_001135022.2(ELMOD3):c.148C>T (p.His50Tyr)

Gene: ELMOD3 (ELMO domain containing 3; plus strand). Cytogenetic location: 2p11.2.
Variant type: single nucleotide variant.
Coding change: c.148C>T on transcript NM_001135022.2 (MANE Select); coding-DNA position 148, C replaced by T.
Protein change: p.His50Tyr; replaces histidine 50 with tyrosine.
Molecular consequence: missense variant. On other transcripts: non-coding transcript variant (3).
Genome position (GRCh38, 1-based): chr2:85,363,115, C>T. VCF-style: chr2-85363115-C-T. GRCh37 (hg19) VCF-style: chr2-85590238-C-T.
Other names: c.148C>T, p.His50Tyr (NM_001135021.2, NM_001135023.2, NM_001329791.2 and 3 more transcripts); short protein forms H50Y.
Identifiers: ClinVar variation 2820706 (VCV002820706.3), dbSNP rs772120151, ClinGen allele CA51720959.